The following is an entry in ClinVar:

NM_007289.4(MME):c.1495G>A (p.Glu499Lys)

Gene: MME (membrane metalloendopeptidase; plus strand). Cytogenetic location: 3q25.2.
Variant type: single nucleotide variant.
Coding change: c.1495G>A on transcript NM_007289.4 (MANE Select); coding-DNA position 1495, G replaced by A.
Protein change: p.Glu499Lys; replaces glutamic acid 499 with lysine.
Molecular consequence: missense variant.
Genome position (GRCh38, 1-based): chr3:155,147,222, G>A. VCF-style: chr3-155147222-G-A. GRCh37 (hg19) VCF-style: chr3-154865011-G-A.
Other names: c.1495G>A, p.Glu499Lys (NM_000902.5, NM_001354642.2, NM_001354643.1 and 2 more transcripts); short protein forms E499K.
Identifiers: ClinVar variation 1379140 (VCV001379140.6), dbSNP rs201292663, ClinGen allele CA2675528.

ClinVar aggregate classification (germline): Uncertain significance. Review status: criteria provided, multiple submitters, no conflicts (2 of 4 stars). 2 submissions from 2 submitters: Uncertain significance (2). Last evaluated 2025-12-01.

Allele frequency attached by ClinVar (database versions not stated): gnomAD 0.00003; gnomAD exomes 0.00004 and 0.00005; ExAC 0.00006; ESP Exome Variant Server 0.00015.
gnomAD v4.1: 72 of 1,580,370 alleles (0.0046%); highest among the groups gnomAD compares: Non-Finnish European, 0.0057%; no homozygotes.

Submissions (2):

Labcorp Genetics (formerly Invitae), Labcorp
Classification: Uncertain significance. Last evaluated: 2025-12-01. Review status: criteria provided, single submitter. Criteria: Invitae Variant Classification Sherloc (09022015). Collection method: clinical testing. Allele origin: germline.
Comment: This sequence change replaces glutamic acid, which is acidic and polar, with lysine, which is basic and polar, at codon 499 of the MME protein (p.Glu499Lys). This variant is present in population databases (rs201292663, gnomAD 0.01%). This missense change has been observed in individual(s) with clinical features of Charcot-Marie-Tooth disease (PMID: 30415211; internal data). In at least one individual the data is consistent with being in trans (on the opposite chromosome) from a pathogenic variant. ClinVar contains an entry for this variant (Variation ID: 1379140). An algorithm developed to predict the effect of missense changes on protein structure and function outputs the following: PolyPhen-2: "Benign". The lysine amino acid residue is found in multiple mammalian species, which suggests that this missense change does not adversely affect protein function. In summary, the available evidence is currently insufficient to determine the role of this variant in disease. Therefore, it has been classified as a Variant of Uncertain Significance.

GeneDx
Classification: Uncertain significance. Last evaluated: 2022-04-07. Review status: criteria provided, single submitter. Criteria: GeneDx Variant Classification Process June 2021. Collection method: clinical testing. Allele origin: germline. Affected: yes.
Comment: In silico analysis supports that this missense variant does not alter protein structure/function; This variant is associated with the following publications: (PMID: 34480178, 30415211)

Literature cited by the submitters: PubMed 30415211 (cited by Labcorp Genetics (formerly Invitae), Labcorp).